The following is an entry in ClinVar:

ClinVar aggregate classification (germline): Conflicting classifications of pathogenicity. Review status: criteria provided, conflicting classifications (1 of 4 stars). 2 submissions from 2 submitters: Uncertain significance (1); Likely benign (1). Last evaluated 2025-05-08.

Conditions:
Generalized epilepsy-paroxysmal dyskinesia syndrome (PNKD3). Also called: Generalized epilepsy and paroxysmal dyskinesia; Paroxysmal nonkinesigenic dyskinesia, 3, with or without generalized epilepsy. Identifiers: Orphanet 79137, MedGen C5574945, MONDO:0012276, OMIM 609446.

Allele frequency attached by ClinVar (database versions not stated): gnomAD exomes below 0.00001; TOPMed below 0.00001; ExAC 0.00001.
gnomAD v4.1: 6 of 1,614,128 alleles (0.00037%); highest among the groups gnomAD compares: South Asian, 0.0011%; no homozygotes.

Submissions (2):

Labcorp Genetics (formerly Invitae), Labcorp
Classification: Likely benign for Generalized epilepsy-paroxysmal dyskinesia syndrome. Last evaluated: 2025-05-08. Review status: criteria provided, single submitter. Criteria: Invitae Variant Classification Sherloc (09022015). Collection method: clinical testing. Allele origin: germline.

Centre for Mendelian Genomics, University Medical Centre Ljubljana
Classification: Uncertain significance for Generalized epilepsy-paroxysmal dyskinesia syndrome. Last evaluated: 2018-12-06. Review status: criteria provided, single submitter. Criteria: ACMG Guidelines, 2015. Collection method: clinical testing. Allele origin: unknown. Affected: yes.
Comment: This variant was classified as: Uncertain significance. The available evidence on this variant's pathogenicity is insufficient or conflicting. The following ACMG criteria were applied in classifying this variant: PP3.

NM_001161352.2(KCNMA1):c.3697G>A (p.Glu1233Lys)

Gene: KCNMA1 (potassium calcium-activated channel subfamily M alpha 1; minus strand). Cytogenetic location: 10q22.3.
Variant type: single nucleotide variant.
Coding change: c.3697G>A on transcript NM_001161352.2 (MANE Select); coding-DNA position 3697, G replaced by A.
Protein change: p.Glu1233Lys; replaces glutamic acid 1233 with lysine.
Molecular consequence: missense variant. On other transcripts: intron variant (7).
Genome position (GRCh38, 1-based): chr10:76,887,280, C>T on the plus strand (G>A on the coding strand, the complement: KCNMA1 is on the minus strand). VCF-style: chr10-76887280-C-T. GRCh37 (hg19) VCF-style: chr10-78647038-C-T.
Other names: c.3646G>A, p.Glu1216Lys (NM_001161353.2); c.3613G>A, p.Glu1205Lys (NM_001271519.2); c.3532G>A, p.Glu1178Lys (NM_001322836.2); c.3616G>A, p.Glu1206Lys (NM_001322837.2); c.3523G>A, p.Glu1175Lys (NM_002247.4); c.3362+11G>A (NM_001271518.2); c.3512+11G>A (NM_001322832.2); c.3521+11G>A (NM_001322829.2); and 4 more; short protein forms E1216K, E1175K, E1205K, E1206K, E1233K, E1178K.
Identifiers: ClinVar variation 931931 (VCV000931931.6), dbSNP rs779739159, ClinGen allele CA5567786.